The following is an entry in ClinVar:

NM_145059.3(FCSK):c.68A>G (p.Gln23Arg)

Gene: FCSK (fucose kinase; plus strand). Cytogenetic location: 16q22.1.
Variant type: single nucleotide variant.
Coding change: c.68A>G on transcript NM_145059.3 (MANE Select); coding-DNA position 68, A replaced by G.
Protein change: p.Gln23Arg; replaces glutamine 23 with arginine.
Molecular consequence: missense variant.
Genome position (GRCh38, 1-based): chr16:70,463,258, A>G. VCF-style: chr16-70463258-A-G. GRCh37 (hg19) VCF-style: chr16-70497161-A-G.
Other names: short protein forms Q23R.
Identifiers: ClinVar variation 2165567 (VCV002165567.4), dbSNP rs750181274, ClinGen allele CA8142707.
Genomic context (GRCh38, chr16:70,463,258, plus strand): 5'-AGCCGAAGGGAGTTGATTGGACAGTCATCATCCTGACCTGCCAGTACAAGGACAGTGTCC[A>G]GGTCTTTCAGAGAGGTAGGGGACTCCCCTTCCCACCTTGCCCCTAATGGAGAACCTCCCT-3'
Protein context (NP_659496.2, residues 13-33): ILTCQYKDSV[Gln23Arg]VFQRELEVRQ

ClinVar aggregate classification (germline): Uncertain significance (1 of 4 stars; one submission).

Allele frequency attached by ClinVar (database versions not stated): ExAC 0.00002; gnomAD 0.00004; gnomAD exomes 0.00005; TOPMed 0.00006.
gnomAD v4.1: 73 of 1,613,676 alleles (0.0045%); highest among the groups gnomAD compares: Admixed American, 0.015%; no homozygotes.

Submission:

Labcorp Genetics (formerly Invitae), Labcorp
Classification: Uncertain significance. Last evaluated: 2022-08-20. Review status: criteria provided, single submitter. Criteria: Invitae Variant Classification Sherloc (09022015). Collection method: clinical testing. Allele origin: germline.
Comment: This variant has not been reported in the literature in individuals affected with FUK-related conditions. In summary, the available evidence is currently insufficient to determine the role of this variant in disease. Therefore, it has been classified as a Variant of Uncertain Significance. Algorithms developed to predict the effect of missense changes on protein structure and function (SIFT, PolyPhen-2, Align-GVGD) all suggest that this variant is likely to be tolerated. This variant is present in population databases (rs750181274, gnomAD 0.01%). This sequence change replaces glutamine, which is neutral and polar, with arginine, which is basic and polar, at codon 23 of the FUK protein (p.Gln23Arg).